The following is an entry in ClinVar:

ClinVar aggregate classification (germline): Uncertain significance (1 of 4 stars; one submission).

gnomAD v4.1: 1 of 1,613,050 alleles (0.000062%); highest among the groups gnomAD compares: Non-Finnish European, 0.000085%; no homozygotes.

Submission:

Dasa
Classification: Uncertain significance. Last evaluated: 2026-07-28. Review status: criteria provided, single submitter. Criteria: DASA Assertion Criteria. Collection method: clinical testing. Allele origin: germline.
Comment: NM_022552.5(DNMT3A):c.809G>C (p.Gly270Ala) is a missense variant that results in the substitution of glycine with alanine. This variant is rare in population databases. The currently available literature and clinical evidence are not sufficient to establish a definitive association between this variant and the reported condition. Therefore, this variant is classified as a variant of uncertain significance.

NM_022552.5(DNMT3A):c.809G>C (p.Gly270Ala)

Gene: DNMT3A (DNA methyltransferase 3 alpha; minus strand). Cytogenetic location: 2p23.3.
Variant type: single nucleotide variant.
Coding change: c.809G>C on transcript NM_022552.5 (MANE Select); coding-DNA position 809, G replaced by C.
Protein change: p.Gly270Ala; replaces glycine 270 with alanine.
Molecular consequence: missense variant. On other transcripts: non-coding transcript variant (1).
Genome position (GRCh38, 1-based): chr2:25,248,083, C>G on the plus strand (G>C on the coding strand, the complement: DNMT3A is on the minus strand). VCF-style: chr2-25248083-C-G. GRCh37 (hg19) VCF-style: chr2-25470952-C-G.
Other names: c.353G>C, p.Gly118Ala (NM_001320893.1); c.140G>C, p.Gly47Ala (NM_001375819.1); c.242G>C, p.Gly81Ala (NM_153759.3); c.809G>C, p.Gly270Ala (NM_175629.2); short protein forms G118A, G270A, G47A, G81A.
Identifiers: ClinVar variation 5020115 (VCV005020115.1).